The following is an entry in ClinVar:

NM_001846.4(COL4A2):c.49C>G (p.Leu17Val)

Gene: COL4A2 (collagen type IV alpha 2 chain; plus strand). Cytogenetic location: 13q34.
Variant type: single nucleotide variant.
Coding change: c.49C>G on transcript NM_001846.4 (MANE Select); coding-DNA position 49, C replaced by G.
Protein change: p.Leu17Val; replaces leucine 17 with valine.
Molecular consequence: missense variant.
Genome position (GRCh38, 1-based): chr13:110,308,073, C>G. VCF-style: chr13-110308073-C-G. GRCh37 (hg19) VCF-style: chr13-110960420-C-G.
Other names: c.49C>G (NM_001846.2); short protein forms L17V.
Identifiers: ClinVar variation 996939 (VCV000996939.12), dbSNP rs200430407, ClinGen allele CA7048754.

ClinVar aggregate classification (germline): Conflicting classifications of pathogenicity. Review status: criteria provided, conflicting classifications (1 of 4 stars). 4 submissions from 4 submitters: Uncertain significance (2); Likely benign (2). Last evaluated 2025-09-10.

Conditions:
COL4A2-related disorder. Also called: COL4A2-related disorders; COL4A2-related condition.
Inborn genetic diseases. Identifiers: MedGen C0950123, MeSH D030342.
Brain small vessel disease 2A, autosomal dominant. Also called: Porencephaly 2. Identifiers: Orphanet 2940, Orphanet 99810, MedGen C3280970, MONDO:0013773, OMIM 614483.

Allele frequency attached by ClinVar (database versions not stated): 1000 Genomes Project 30x 0.00031; 1000 Genomes Project 0.00040; TOPMed 0.00084.
gnomAD v4.1: 170 of 1,613,820 alleles (0.011%); highest among the groups gnomAD compares: African/African-American, 0.2%; no homozygotes.

Submissions (5):

Labcorp Genetics (formerly Invitae), Labcorp
Classification: Likely benign. Last evaluated: 2025-09-10. Review status: criteria provided, single submitter. Criteria: Invitae Variant Classification Sherloc (09022015). Collection method: clinical testing. Allele origin: germline.

PreventionGenetics, part of Exact Sciences
Classification: Likely benign for COL4A2-related condition. Last evaluated: 2025-08-07. Review status: criteria provided, single submitter. Criteria: ACMG Guidelines, 2015. Collection method: clinical testing. Allele origin: germline.
Comment: This variant is classified as likely benign based on ACMG/AMP sequence variant interpretation guidelines (Richards et al. 2015 PMID: 25741868, with internal and published modifications).

Ambry Genetics
Classification: Uncertain significance for Inborn genetic diseases. Last evaluated: 2021-08-16. Review status: criteria provided, single submitter. Criteria: Ambry Variant Classification Scheme 2023. Collection method: clinical testing. Allele origin: germline.

New York Genome Center
Classification: Uncertain significance for Brain small vessel disease 2A, autosomal dominant. Last evaluated: 2020-05-14. Review status: criteria provided, single submitter. Criteria: NYGC Assertion Criteria 2020. Collection method: clinical testing. Allele origin: germline. Inheritance: Autosomal dominant inheritance. Observed: 1 heterozygote. Study: CSER-NYCKidSeq.

Dr. Peter K. Rogan Lab, Western University
No classification provided (evidence only). Condition: Gastric cancer. Review status: no classification provided. Collection method: in vitro. Allele origin: not applicable. Functional consequence: retained intron. Not counted in ClinVar's aggregate classification.